The following is an entry in ClinVar:

NM_004722.4(AP4M1):c.912G>A (p.Trp304Ter)

Gene: AP4M1 (adaptor related protein complex 4 subunit mu 1; plus strand). Cytogenetic location: 7q22.1.
Variant type: single nucleotide variant.
Coding change: c.912G>A on transcript NM_004722.4 (MANE Select); coding-DNA position 912, G replaced by A.
Protein change: p.Trp304Ter; replaces tryptophan 304 with a stop codon.
Molecular consequence: nonsense. On other transcripts: non-coding transcript variant (1).
Genome position (GRCh38, 1-based): chr7:100,105,522, G>A. VCF-style: chr7-100105522-G-A. GRCh37 (hg19) VCF-style: chr7-99703145-G-A.
Other names: c.933G>A, p.Trp311Ter (NM_001363671.2, NM_001438824.1, NM_001438827.1); c.912G>A, p.Trp304Ter (NM_001438825.1, NM_001438826.1, NM_001438828.1); c.708G>A, p.Trp236Ter (NM_001438829.1, NM_001438830.1); c.528G>A, p.Trp176Ter (NM_001438831.1, NM_001438832.1); short protein forms W236*, W304*, W176*, W311*.
Identifiers: ClinVar variation 4721295 (VCV004721295.1).

ClinVar aggregate classification (germline): Pathogenic (1 of 4 stars; one submission).

Conditions:
Hereditary spastic paraplegia 50 (SPG50). Also called: Spastic paraplegia 50, autosomal recessive. Identifiers: Orphanet 280763, MedGen C2752008, MONDO:0013048, OMIM 612936.

Submission:

Labcorp Genetics (formerly Invitae), Labcorp
Classification: Pathogenic for Hereditary spastic paraplegia 50. Last evaluated: 2025-07-10. Review status: criteria provided, single submitter. Criteria: Invitae Variant Classification Sherloc (09022015). Collection method: clinical testing. Allele origin: germline.
Comment: This sequence change creates a premature translational stop signal (p.Trp304*) in the AP4M1 gene. It is expected to result in an absent or disrupted protein product. Loss-of-function variants in AP4M1 are known to be pathogenic (PMID: 24700674, 25496299, 25558065). This variant is not present in population databases (gnomAD no frequency). This variant has not been reported in the literature in individuals affected with AP4M1-related conditions. For these reasons, this variant has been classified as Pathogenic.

Literature cited by the submitters: PubMed 24700674; PubMed 25496299; PubMed 25558065.